The following is an entry in ClinVar:

NM_201384.3(PLEC):c.7862C>T (p.Ala2621Val)

Gene: PLEC (plectin; minus strand). Cytogenetic location: 8q24.3.
Variant type: single nucleotide variant.
Coding change: c.7862C>T on transcript NM_201384.3 (MANE Select); coding-DNA position 7862, C replaced by T.
Protein change: p.Ala2621Val; replaces alanine 2621 with valine.
Molecular consequence: missense variant.
Genome position (GRCh38, 1-based): chr8:143,921,959, G>A on the plus strand (C>T on the coding strand, the complement: PLEC is on the minus strand). VCF-style: chr8-143921959-G-A. GRCh37 (hg19) VCF-style: chr8-144996127-G-A.
Other names: c.7943C>T, p.Ala2648Val (NM_000445.5); c.7820C>T, p.Ala2607Val (NM_201378.4); c.7796C>T, p.Ala2599Val (NM_201379.3); c.8273C>T, p.Ala2758Val (NM_201380.4); c.7766C>T, p.Ala2589Val (NM_201381.3); c.7862C>T, p.Ala2621Val (NM_201382.4); c.7874C>T, p.Ala2625Val (NM_201383.3); short protein forms A2589V, A2625V, A2599V, A2607V, A2621V, A2648V, A2758V.
Identifiers: ClinVar variation 1501045 (VCV001501045.6), dbSNP rs1822921749, ClinGen allele CA372521541.

ClinVar aggregate classification (germline): Uncertain significance (1 of 4 stars; one submission).

Conditions:
Epidermolysis bullosa simplex 5B, with muscular dystrophy (EBS5B). Also called: Epidermolysis bullosa simplex with muscular dystrophy; EPIDERMOLYSIS BULLOSA SIMPLEX AND LIMB-GIRDLE MUSCULAR DYSTROPHY. Identifiers: Orphanet 257, MedGen C2931072, MONDO:0009181, OMIM 226670.
Autosomal recessive limb-girdle muscular dystrophy type 2Q (LGMDR17). Also called: MUSCULAR DYSTROPHY, LIMB-GIRDLE, AUTOSOMAL RECESSIVE 17. Identifiers: Orphanet 254361, MedGen C3150989, MONDO:0013390, OMIM 613723.
Epidermolysis bullosa simplex with nail dystrophy (EBS5D). Identifiers: MedGen C4225309, MONDO:0014661, OMIM 616487.
Epidermolysis bullosa simplex 5C, with pyloric atresia (EBS5C). Also called: Epidermolysis bullosa simplex with pyloric atresia; PLEC-Related Epidermolysis Bullosa with Pyloric Atresia; PLEC1-Related Epidermolysis Bullosa with Pyloric Atresia. Identifiers: Orphanet 158684, MedGen C2677349, MONDO:0012807, OMIM 612138.
Epidermolysis bullosa simplex, Ogna type (EBS5A). Also called: EPIDERMOLYSIS BULLOSA SIMPLEX 5A, OGNA TYPE; Pidermolysis bullosa simplex 5A, Ogna type. Identifiers: Orphanet 79401, MedGen C0432317, MONDO:0007555, OMIM 131950.

Allele frequency attached by ClinVar (database versions not stated): gnomAD exomes below 0.00001.
gnomAD v4.1: 6 of 1,598,936 alleles (0.00038%); highest among the groups gnomAD compares: Non-Finnish European, 0.00042%; no homozygotes.

Submission:

Labcorp Genetics (formerly Invitae), Labcorp
Classification: Uncertain significance for Autosomal recessive limb-girdle muscular dystrophy type 2Q; Epidermolysis bullosa simplex, Ogna type; Epidermolysis bullosa simplex with nail dystrophy; Epidermolysis bullosa simplex 5C, with pyloric atresia; Epidermolysis bullosa simplex 5B, with muscular dystrophy. Last evaluated: 2024-08-08. Review status: criteria provided, single submitter. Criteria: Invitae Variant Classification Sherloc (09022015). Collection method: clinical testing. Allele origin: germline.
Comment: This sequence change replaces alanine, which is neutral and non-polar, with valine, which is neutral and non-polar, at codon 2648 of the PLEC protein (p.Ala2648Val). This variant is not present in population databases (gnomAD no frequency). This variant has not been reported in the literature in individuals affected with PLEC-related conditions. ClinVar contains an entry for this variant (Variation ID: 1501045). An algorithm developed to predict the effect of missense changes on protein structure and function outputs the following: PolyPhen-2: "Benign". The valine amino acid residue is found in multiple mammalian species, which suggests that this missense change does not adversely affect protein function. In summary, the available evidence is currently insufficient to determine the role of this variant in disease. Therefore, it has been classified as a Variant of Uncertain Significance.